The following is an entry in ClinVar:

ClinVar aggregate classification (germline): Uncertain significance (1 of 4 stars; one submission).

Conditions:
Charcot-Marie-Tooth disease type 4. Also called: Charcot-Marie-Tooth disease, type IV; Charcot-Marie-Tooth, Type 4. Identifiers: Orphanet 64749, MedGen C4082197, MONDO:0018995.

Submission:

Labcorp Genetics (formerly Invitae), Labcorp
Classification: Uncertain significance for Charcot-Marie-Tooth disease type 4. Last evaluated: 2021-09-19. Review status: criteria provided, single submitter. Criteria: Invitae Variant Classification Sherloc (09022015). Collection method: clinical testing. Allele origin: germline.
Comment: Algorithms developed to predict the effect of missense changes on protein structure and function are either unavailable or do not agree on the potential impact of this missense change (SIFT: "Tolerated"; PolyPhen-2: "Possibly Damaging"; Align-GVGD: "Class C0"). This variant has not been reported in the literature in individuals affected with PRX-related conditions. This variant is not present in population databases (ExAC no frequency). This sequence change replaces alanine with valine at codon 354 of the PRX protein (p.Ala354Val). The alanine residue is moderately conserved and there is a small physicochemical difference between alanine and valine. In summary, the available evidence is currently insufficient to determine the role of this variant in disease. Therefore, it has been classified as a Variant of Uncertain Significance.

NM_181882.3(PRX):c.1061C>T (p.Ala354Val)

Gene: PRX (periaxin; minus strand). Cytogenetic location: 19q13.2.
Variant type: single nucleotide variant.
Coding change: c.1061C>T on transcript NM_181882.3 (MANE Select); coding-DNA position 1061, C replaced by T.
Protein change: p.Ala354Val; replaces alanine 354 with valine.
Molecular consequence: missense variant. On other transcripts: 3 prime UTR variant (1).
Genome position (GRCh38, 1-based): chr19:40,397,291, G>A on the plus strand (C>T on the coding strand, the complement: PRX is on the minus strand). VCF-style: chr19-40397291-G-A. GRCh37 (hg19) VCF-style: chr19-40903198-G-A.
Other names: c.*1266C>T (NM_020956.2); short protein forms A354V.
Identifiers: ClinVar variation 1421591 (VCV001421591.6), dbSNP rs2145731516, ClinGen allele CA405899155.